The following is an entry in ClinVar:

NM_000392.5(ABCC2):c.3393C>T (p.Gly1131=)

Genes: ABCC2 (ATP binding cassette subfamily C member 2; plus strand), LOC126861013 (CDK7 strongly-dependent group 2 enhancer GRCh37_chr10:101593724-101594923; plus strand). Cytogenetic location: 10q24.2.
Variant type: single nucleotide variant.
Coding change: c.3393C>T on transcript NM_000392.5 (MANE Select); coding-DNA position 3393, C replaced by T.
Protein change: p.Gly1131=; no amino-acid change (glycine 1131 retained).
Molecular consequence: synonymous variant.
Genome position (GRCh38, 1-based): chr10:99,834,514, C>T. VCF-style: chr10-99834514-C-T. GRCh37 (hg19) VCF-style: chr10-101594271-C-T.
Other names: c.3393C>T (NM_000392.4).
Identifiers: ClinVar variation 2758087 (VCV002758087.4), dbSNP rs752707947, ClinGen allele CA5643786.

ClinVar aggregate classification (germline): Likely benign. Review status: criteria provided, multiple submitters, no conflicts (2 of 4 stars). 2 submissions from 2 submitters: Likely benign (2). Last evaluated 2025-09-14.

Conditions:
ABCC2-related disorder. Also called: ABCC2-related condition.

Allele frequency attached by ClinVar (database versions not stated): TOPMed below 0.00001; gnomAD 0.00002; gnomAD exomes 0.00002; ExAC 0.00003.
gnomAD v4.1: 33 of 1,614,058 alleles (0.002%); highest among the groups gnomAD compares: South Asian, 0.033%; no homozygotes.

Submissions (2):

PreventionGenetics, part of Exact Sciences
Classification: Likely benign for ABCC2-related condition. Last evaluated: 2025-09-14. Review status: criteria provided, single submitter. Criteria: ACMG Guidelines, 2015. Collection method: clinical testing. Allele origin: germline.
Comment: This variant is classified as likely benign based on ACMG/AMP sequence variant interpretation guidelines (Richards et al. 2015 PMID: 25741868, with internal and published modifications).

Labcorp Genetics (formerly Invitae), Labcorp
Classification: Likely benign. Last evaluated: 2024-03-19. Review status: criteria provided, single submitter. Criteria: Invitae Variant Classification Sherloc (09022015). Collection method: clinical testing. Allele origin: germline.